The following is an entry in ClinVar:

NM_006231.4(POLE):c.374A>G (p.Gln125Arg)

Gene: POLE (DNA polymerase epsilon, catalytic subunit; minus strand). Cytogenetic location: 12q24.33.
Variant type: single nucleotide variant.
Coding change: c.374A>G on transcript NM_006231.4 (MANE Select); coding-DNA position 374, A replaced by G.
Protein change: p.Gln125Arg; replaces glutamine 125 with arginine.
Molecular consequence: missense variant.
Genome position (GRCh38, 1-based): chr12:132,680,003, T>C on the plus strand (A>G on the coding strand, the complement: POLE is on the minus strand). VCF-style: chr12-132680003-T-C. GRCh37 (hg19) VCF-style: chr12-133256589-T-C.
Other names: short protein forms Q125R.
Identifiers: ClinVar variation 1042876 (VCV001042876.8), dbSNP rs1286172788, ClinGen allele CA387368102.

ClinVar aggregate classification (germline): Uncertain significance (1 of 4 stars; one submission).

Allele frequency attached by ClinVar (database versions not stated): gnomAD exomes below 0.00001.

Submission:

Labcorp Genetics (formerly Invitae), Labcorp
Classification: Uncertain significance. Last evaluated: 2020-03-28. Review status: criteria provided, single submitter. Criteria: Invitae Variant Classification Sherloc (09022015). Collection method: clinical testing. Allele origin: germline.
Comment: In summary, the available evidence is currently insufficient to determine the role of this variant in disease. Therefore, it has been classified as a Variant of Uncertain Significance. Algorithms developed to predict the effect of missense changes on protein structure and function (SIFT, PolyPhen-2, Align-GVGD) all suggest that this variant is likely to be tolerated, but these predictions have not been confirmed by published functional studies and their clinical significance is uncertain. This variant has not been reported in the literature in individuals with POLE-related conditions. This variant is not present in population databases (ExAC no frequency). This sequence change replaces glutamine with arginine at codon 125 of the POLE protein (p.Gln125Arg). The glutamine residue is moderately conserved and there is a small physicochemical difference between glutamine and arginine.